The following is an entry in ClinVar:

NM_012330.4(KAT6B):c.5987G>A (p.Ser1996Asn)

Gene: KAT6B (lysine acetyltransferase 6B; plus strand). Cytogenetic location: 10q22.2.
Variant type: single nucleotide variant.
Coding change: c.5987G>A on transcript NM_012330.4 (MANE Select); coding-DNA position 5987, G replaced by A.
Protein change: p.Ser1996Asn; replaces serine 1996 with asparagine.
Molecular consequence: missense variant.
Genome position (GRCh38, 1-based): chr10:75,030,811, G>A. VCF-style: chr10-75030811-G-A. GRCh37 (hg19) VCF-style: chr10-76790569-G-A.
Other names: c.5438G>A, p.Ser1813Asn (NM_001256468.2, NM_001370138.1); c.5111G>A, p.Ser1704Asn (NM_001256469.2, NM_001370139.1, NM_001370140.1 and 2 more transcripts); c.4949G>A, p.Ser1650Asn (NM_001370132.1); c.4298G>A, p.Ser1433Asn (NM_001370133.1); c.3902G>A, p.Ser1301Asn (NM_001370134.1); c.3644G>A, p.Ser1215Asn (NM_001370135.1); c.5987G>A, p.Ser1996Asn (NM_001370136.1, NM_001370137.1); c.4922G>A, p.Ser1641Asn (NM_001370143.1, NM_001370144.1); short protein forms S1215N, S1301N, S1433N, S1704N, S1650N, S1813N, S1996N, S1641N.
Identifiers: ClinVar variation 2820301 (VCV002820301.3), dbSNP rs2549217233, ClinGen allele CA377302693.

ClinVar aggregate classification (germline): Uncertain significance (1 of 4 stars; one submission).

Conditions:
Genitopatellar syndrome (GTPTS). Also called: Genitopatellar syndrome (GPS); ABSENT PATELLAE, SCROTAL HYPOPLASIA, RENAL ANOMALIES, FACIAL DYSMORPHISM, AND MENTAL RETARDATION. Identifiers: Orphanet 85201, MedGen C1853566, MONDO:0011640, OMIM 606170.

Submission:

Labcorp Genetics (formerly Invitae), Labcorp
Classification: Uncertain significance for Genitopatellar syndrome. Last evaluated: 2026-01-19. Review status: criteria provided, single submitter. Criteria: Invitae Variant Classification Sherloc (09022015). Collection method: clinical testing. Allele origin: germline.
Comment: This sequence change replaces serine, which is neutral and polar, with asparagine, which is neutral and polar, at codon 1996 of the KAT6B protein (p.Ser1996Asn). This variant is not present in population databases (gnomAD no frequency). This variant has not been reported in the literature in individuals affected with KAT6B-related conditions. ClinVar contains an entry for this variant (Variation ID: 2820301). An algorithm developed to predict the effect of missense changes on protein structure and function (PolyPhen-2) suggests that this variant is likely to be tolerated. In summary, the available evidence is currently insufficient to determine the role of this variant in disease. Therefore, it has been classified as a Variant of Uncertain Significance.